The following is an entry in ClinVar:

ClinVar aggregate classification (germline): Likely benign (1 of 4 stars; one submission).

Submission:

GeneDx
Classification: Likely benign. Last evaluated: 2017-09-11. Review status: criteria provided, single submitter. Criteria: GeneDx Variant Classification (06012015). Collection method: clinical testing. Allele origin: germline. Affected: yes.
Comment: This variant is considered likely benign or benign based on one or more of the following criteria: it is a conservative change, it occurs at a poorly conserved position in the protein, it is predicted to be benign by multiple in silico algorithms, and/or has population frequency not consistent with disease.

NM_007294.4(BRCA1):c.-38C>T

Genes: BRCA1 (BRCA1 DNA repair associated; minus strand), LOC111589215 (BRCA1 promoter region; plus strand). Cytogenetic location: 17q21.31.
Variant type: single nucleotide variant.
Coding change: c.-38C>T on transcript NM_007294.4 (MANE Select); 38 bases upstream of the start codon, C replaced by T.
Molecular consequence: 5 prime UTR variant. On other transcripts: non-coding transcript variant (1).
Genome position (GRCh38, 1-based): chr17:43,125,289, G>A on the plus strand (C>T on the coding strand, the complement: BRCA1 is on the minus strand). VCF-style: chr17-43125289-G-A. GRCh37 (hg19) VCF-style: chr17-41277306-G-A.
Other names: c.-119C>T (NM_007297.4); c.-32C>T (NM_007299.4); c.-38C>T (NM_007300.4).
Identifiers: ClinVar variation 512052 (VCV000512052.1), dbSNP rs1555601360, ClinGen allele CA658798852.